The following is an entry in ClinVar:

NM_000492.4(CFTR):c.2554dup (p.Tyr852fs)

Gene: CFTR (CF transmembrane conductance regulator; plus strand). Cytogenetic location: 7q31.2.
Variant type: Duplication.
Coding change: c.2554dup on transcript NM_000492.4 (MANE Select); coding-DNA position 2554, one base duplicated (T; older notation c.2554dupT).
Protein change: p.Tyr852fs; shifts the reading frame from tyrosine 852.
Molecular consequence: frameshift variant.
Genome position (GRCh38, 1-based): chr7:117,594,993, T duplicated. VCF-style (leftmost placement, unchanged base first): chr7-117594992-A-AT. GRCh37 (hg19) VCF-style: chr7-117235046-A-AT.
Other names: c.2554dupT (NM_000492.3); short protein forms Y852fs.
Identifiers: ClinVar variation 371181 (VCV000371181.15), dbSNP rs1057517068, ClinGen allele CA16041133.
Genomic context (GRCh38, chr7:117,594,992, plus strand): 5'-GTGCTTTTTTGATGATATGGAGAGCATACCAGCAGTGACTACATGGAACACATACCTTCG[A>AT]TATATTACTGTCCACAAGAGCTTAATTTTTGTGCTAATTTGGTGCTTAGTAATTTTTCTG-3'

ClinVar aggregate classification (germline): Pathogenic. Review status: criteria provided, multiple submitters, no conflicts (2 of 4 stars). 7 submissions from 7 submitters: Pathogenic (6). 1 of the submissions does not count toward it. Last evaluated 2025-12-15.

Conditions:
CFTR-related disorder (CFTR-RD). Also called: CFTR-related condition; CFTR-related disorders. Identifiers: MedGen C5924204, MONDO:7770004.
Cystic fibrosis (CF). Also called: MUCOVISCIDOSIS. Identifiers: Orphanet 586, MedGen C0010674, MONDO:0009061, OMIM 219700. Disease mechanism: loss of function.

Allele frequency attached by ClinVar (database versions not stated): TOPMed below 0.00001; gnomAD 0.00001.

Submissions (7):

Natera, Inc.
Classification: Pathogenic for CFTR-related disorders. Last evaluated: 2025-12-15. Review status: criteria provided, single submitter. Criteria: Natera Variant Classification Schema (03/2026). Collection method: clinical testing. Allele origin: germline.
Comment: The c.2554dupT variant in CFTR is a frameshift variant predicted to shift the reading frame beginning at codon 852 and leads to a stop codon 44 codons downstream. This variant is expected to result in nonsense mediated decay, truncation, or a dysfunctional protein product. This variant is rare in the general population with a frequency below the threshold expected for the associated phenotype(s). This variant has been observed in one or more individuals affected with the associated recessive disease, as either homozygous or compound heterozygous with a second variant (PMID: 10794365, 12000363). Given the available evidence, this variant is classified as Pathogenic.

Dasa
Classification: Pathogenic. Last evaluated: 2025-11-14. Review status: criteria provided, single submitter. Criteria: DASA Assertion Criteria. Collection method: clinical testing. Allele origin: germline.
Comment: NM_000492.4(CFTR):c.2554dup (p.Tyr852Leufs*44) introduces a premature termination codon predicted to result in loss of normal protein function. Loss-of-function is an established mechanism of disease for this gene. This variant has been recurrently observed in affected individuals with related phenotype in a genotype context consistent with recessive disease (PMID: 26500004; PMID: 12000363). The variant is present at low frequency in population datasets. Based on the available data, this variant is classified as pathogenic.

Ambry Genetics
Classification: Pathogenic for Cystic fibrosis. Last evaluated: 2024-02-28. Review status: criteria provided, single submitter. Criteria: Ambry Variant Classification Scheme 2023. Collection method: clinical testing. Allele origin: germline.
Comment: The c.2554dupT pathogenic mutation, located in coding exon 15 of the CFTR gene, results from a duplication of T at nucleotide position 2554, causing a translational frameshift with a predicted alternate stop codon (p.Y852Lfs*44). This mutation has been reported in multiple cohorts of patients with cystic fibrosis (Brennan ML et al. J Cyst Fibros, 2016 Jan;15:52-9; Pepermans X et al. Clin Biochem, 2016 Jan;49:154-60; Raraigh KS et al. J Cyst Fibros, 2022 May;21:463-470). In addition to the clinical data presented in the literature, this alteration is expected to result in loss of function by premature protein truncation or nonsense-mediated mRNA decay. As such, this alteration is interpreted as a disease-causing mutation.

Labcorp Genetics (formerly Invitae), Labcorp
Classification: Pathogenic for Cystic fibrosis. Last evaluated: 2024-02-22. Review status: criteria provided, single submitter. Criteria: Invitae Variant Classification Sherloc (09022015). Collection method: clinical testing. Allele origin: germline.
Comment: This sequence change creates a premature translational stop signal (p.Tyr852Leufs*44) in the CFTR gene. It is expected to result in an absent or disrupted protein product. Loss-of-function variants in CFTR are known to be pathogenic (PMID: 1695717, 7691345, 9725922). This variant is not present in population databases (gnomAD no frequency). This premature translational stop signal has been observed in individual(s) with cystic fibrosis (PMID: 10794365, 12000363, 26500004). This variant is also known as 2686 insT. ClinVar contains an entry for this variant (Variation ID: 371181). For these reasons, this variant has been classified as Pathogenic.

Mendelics
Classification: Pathogenic for Cystic fibrosis. Last evaluated: 2018-11-05. Review status: criteria provided, single submitter. Criteria: Mendelics Assertion Criteria 2017. Collection method: clinical testing. Allele origin: unknown. Affected: yes.

Women's Health and Genetics/Laboratory Corporation of America, LabCorp
Classification: Pathogenic for Cystic fibrosis. Last evaluated: 2016-08-04. Review status: criteria provided, single submitter. Criteria: LabCorp Variant Classification Summary - May 2015. Collection method: clinical testing. Allele origin: germline.
Comment: Variant summary: The CFTR c.2554dupT (p.Tyr852Leufs) variant results in a premature termination codon, predicted to cause a truncated or absent CFTR protein due to nonsense mediated decay, which are commonly known mechanisms for disease. This variant is absent in 121240 control chromosomes, but has been reported in numerous affected individuals in the literature. Taken together, this variant is classified as pathogenic.

Counsyl
Classification: Likely pathogenic for Cystic fibrosis. Last evaluated: 2016-07-20. Review status: no assertion criteria provided. Collection method: clinical testing. Allele origin: unknown. Not counted in ClinVar's aggregate classification.

Literature cited by the submitters: PubMed 10794365 (cited by 4 submitters); PubMed 12000363 (cited by 4 submitters); PubMed 26500004 (cited by 4 submitters); PubMed 25900089 (cited by Ambry Genetics and Counsyl); PubMed 34782259 (cited by Ambry Genetics); PubMed 1695717 (cited by Labcorp Genetics (formerly Invitae), Labcorp); PubMed 7691345 (cited by Labcorp Genetics (formerly Invitae), Labcorp); PubMed 9725922 (cited by Labcorp Genetics (formerly Invitae), Labcorp); PubMed 23810505 (cited by Women's Health and Genetics/Laboratory Corporation of America, LabCorp and Counsyl); PubMed 16963320 (cited by Women's Health and Genetics/Laboratory Corporation of America, LabCorp).